The following is an entry in ClinVar:

NM_000350.3(ABCA4):c.5460+1G>A

Gene: ABCA4 (ATP binding cassette subfamily A member 4; minus strand). Cytogenetic location: 1p22.1.
Variant type: single nucleotide variant.
Coding change: c.5460+1G>A on transcript NM_000350.3 (MANE Select); the canonical splice donor site of the intron after coding-DNA position 5460, G replaced by A.
Molecular consequence: splice donor variant.
Genome position (GRCh38, 1-based): chr1:94,014,542, C>T on the plus strand (G>A on the coding strand, the complement: ABCA4 is on the minus strand). VCF-style: chr1-94014542-C-T. GRCh37 (hg19) VCF-style: chr1-94480098-C-T.
Identifiers: ClinVar variation 99375 (VCV000099375.15), dbSNP rs61753030, ClinGen allele CA227308.

ClinVar aggregate classification (germline): Pathogenic. Review status: reviewed by expert panel (3 of 4 stars). 8 submissions from 8 submitters: Pathogenic (1). 7 of the submissions do not count toward it. Last evaluated 2025-12-16.

Conditions:
ABCA4-related retinopathy. Also called: ABCA4-related retinoapthy; ABCA4 retinoapthy. Identifiers: MedGen CN322612, MONDO:0800406.
Retinal dystrophy. Also called: Inherited retinal dystrophy. Identifiers: Orphanet 71862, MedGen C0854723, MeSH D058499, MONDO:0019118, HP:0000556.
Stargardt disease (FFM). Also called: Fundus flavimaculatus; Stargardt's disease. Identifiers: Orphanet 827, MedGen C0271093, MONDO:0019353.
Autosomal recessive retinitis pigmentosa. Identifiers: MedGen C0339526.
Retinitis pigmentosa (RP). Identifiers: Orphanet 791, MedGen C0035334, MeSH D012174, MONDO:0019200, OMIM 268000. Inheritance: Autosomal dominant, autosomal recessive and X linked inheritance.
ABCA4-related disorder. Also called: ABCA4-related disorders; ABCA4-related condition. Identifiers: MedGen CN239167.

Submissions (8):

ClinGen ABCA4 Variant Curation Expert Panel, Clingen
Classification: Pathogenic for ABCA4-related retinopathy. Last evaluated: 2025-12-16. Review status: reviewed by expert panel. Criteria: ClinGen ABCA4 ACMG Specifications V1.0.0. Collection method: curation. Allele origin: germline. Inheritance: Autosomal recessive inheritance.
Comment: The c.5460+1G>A variant in ABCA4 is an intronic variant involving a G to A sequence change that affects a canonical donor splice site in intron 38. This variant occurs at a canonical splice site in intron 38 and is expected to disrupt splicing and trigger an exon-skipping event introducing a premature stop codon that is predicted to lead to nonsense-mediated decay (PVS1). The total minor allele frequency in gnomAD v4.1.0 is 0.000000619 (1/1614216 alleles), which is lower than the ClinGen ABCA4 VCEP’s threshold for PM2_Supporting (<0.0001). The prevalence of the variant in affected individuals is significantly increased compared with the prevalence in controls. The OR is infinity and the CI is 10.92 to infinity, which is above the ABCA4 VCEP threshold of ≥5, where the CI does not contain 1 (PS4; PMID: 35120629). In summary, this variant meets the criteria to be classified as pathogenic for ABCA4-related retinopathy based on the ACMG/AMP criteria applied, as specified by the ClinGen ABCA4 VCEP (Specification Version 1): PVS1, PS4, PM2_Supporting.

Labcorp Genetics (formerly Invitae), Labcorp
Classification: Pathogenic. Last evaluated: 2022-08-22. Review status: criteria provided, single submitter. Criteria: Invitae Variant Classification Sherloc (09022015). Collection method: clinical testing. Allele origin: germline. Not counted in ClinVar's aggregate classification.
Comment: This variant is not present in population databases (gnomAD no frequency). This sequence change affects a donor splice site in intron 38 of the ABCA4 gene. It is expected to disrupt RNA splicing. Variants that disrupt the donor or acceptor splice site typically lead to a loss of protein function (PMID: 16199547), and loss-of-function variants in ABCA4 are known to be pathogenic (PMID: 10958761, 24938718, 25312043, 26780318). Disruption of this splice site has been observed in individuals with inherited retinal dystrophy (PMID: 26593885, 31968401). It has also been observed to segregate with disease in related individuals. For these reasons, this variant has been classified as Pathogenic. Algorithms developed to predict the effect of sequence changes on RNA splicing suggest that this variant may disrupt the consensus splice site. ClinVar contains an entry for this variant (Variation ID: 99375).

Institute of Human Genetics, Univ. Regensburg, Univ. Regensburg
Classification: Pathogenic for Retinal dystrophy. Last evaluated: 2022-01-01. Review status: criteria provided, single submitter. Criteria: ACMG Guidelines, 2015. Collection method: clinical testing. Allele origin: germline. Affected: yes. Not counted in ClinVar's aggregate classification.

Blueprint Genetics
Classification: Pathogenic for ABCA4-related disorders. Last evaluated: 2021-05-07. Review status: criteria provided, single submitter. Criteria: ACMG Guidelines, 2015. Collection method: clinical testing. Allele origin: germline. Affected: yes. Observed: 3 variant alleles. Not counted in ClinVar's aggregate classification.

The Cell Therapy Center, The University of Jordan
Classification: Pathogenic for Retinitis pigmentosa. Last evaluated: 2019-03-15. Review status: criteria provided, single submitter. Criteria: ACMG Guidelines, 2015. Collection method: research. Allele origin: germline. Inheritance: Autosomal recessive inheritance. Affected: yes and no. Observed: 8 variant alleles, 4 heterozygotes, 4 homozygotes. Not counted in ClinVar's aggregate classification.
Comment: The splice site donor variant ABCA4 (c.5460+1G>A) was found in two unrelated Jordanian families and clinical evaluation showed that one of them has retinitis pigmentosa (rod-cone dystrophy) and the other has cone-rod dystrophy. Multiple in-silico tools predicted this variant to affect splicing causing exon skipping resulting in out of frame transcript.

Faculty of Health Sciences, Beirut Arab University
Classification: Pathogenic for Autosomal recessive Retinitis Pigmentosa. Last evaluated: 2020-01-22. Review status: no assertion criteria provided. Collection method: literature only. Allele origin: germline. Affected: yes. Observed: 4 variant alleles. Not counted in ClinVar's aggregate classification.

Sharon lab, Hadassah-Hebrew University Medical Center
Classification: Pathogenic for Stargardt disease. Last evaluated: 2019-06-23. Review status: no assertion criteria provided. Collection method: research. Allele origin: inherited. Affected: yes. Not counted in ClinVar's aggregate classification.

Retina International
No classification provided. Review status: no classification provided. Collection method: not provided. Allele origin: not provided. Not counted in ClinVar's aggregate classification.

Literature cited by the submitters: PubMed 16199547 (cited by Labcorp Genetics (formerly Invitae), Labcorp); PubMed 10958761 (cited by Labcorp Genetics (formerly Invitae), Labcorp); PubMed 24938718 (cited by Labcorp Genetics (formerly Invitae), Labcorp); PubMed 25312043 (cited by Labcorp Genetics (formerly Invitae), Labcorp); PubMed 26780318 (cited by Labcorp Genetics (formerly Invitae), Labcorp); PubMed 26593885 (cited by Labcorp Genetics (formerly Invitae), Labcorp and Institute of Human Genetics, Univ. Regensburg, Univ. Regensburg); PubMed 31968401 (cited by 3 submitters); PubMed 10958763 (cited by Institute of Human Genetics, Univ. Regensburg, Univ. Regensburg); PubMed 25525159 (cited by Institute of Human Genetics, Univ. Regensburg, Univ. Regensburg); PubMed 32307445 (cited by Institute of Human Genetics, Univ. Regensburg, Univ. Regensburg); PubMed 32552793 (cited by Institute of Human Genetics, Univ. Regensburg, Univ. Regensburg); PubMed 31456290 (cited by Institute of Human Genetics, Univ. Regensburg, Univ. Regensburg).